The following is an entry in ClinVar:

NM_001077365.2(POMT1):c.270_280delAATTGGAGCAG (p.Gly92fs)

Gene: POMT1 (protein O-mannosyltransferase 1; plus strand). Cytogenetic location: 9q34.13.
Variant type: Deletion.
Coding change: c.270_280delAATTGGAGCAG on transcript NM_001077365.2 (MANE Select); coding-DNA positions 270 to 280, 11 bases deleted (AATTGGAGCAG).
Protein change: p.Gly92fs; shifts the reading frame from glycine 92.
Molecular consequence: frameshift variant. On other transcripts: 5 prime UTR variant (4), non-coding transcript variant (10), intron variant (3).
Genome position (GRCh38, 1-based): chr9:131,506,443-131,506,453, AATTGGAGCAG deleted; deleting any 11 consecutive bases within chr9:131,506,440-131,506,453 gives the same sequence; the c. name uses the placement nearest the transcript's 3' end. VCF-style (leftmost placement, unchanged base first): chr9-131506439-ACAGAATTGGAG-A. GRCh37 (hg19) VCF-style: chr9-134381826-ACAGAATTGGAG-A.
Other names: c.108_118delAATTGGAGCAG, p.Gly38fs (NM_001077366.2, NM_001353194.2, NM_001353197.2 and 3 more transcripts); c.270_280delAATTGGAGCAG, p.Gly92fs (NM_001136113.2, NM_001353193.2, NM_001374690.1 and 1 more transcripts); c.-82_-72delAATTGGAGCAG (NM_001136114.2, NM_001353195.2, NM_001353199.2); c.163_173del, p.Asn55fs (NM_001353196.2); c.-40_-30delAATTGGAGCAG (NM_001353200.2); c.-71-925_-71-915del (NM_001374691.1, NM_001374692.1); c.-30+2103_-30+2113del (NM_001374695.1); c.270_280del (NM_007171.4); short protein forms G38fs, N55fs, G92fs.
Identifiers: ClinVar variation 1360015 (VCV001360015.6), dbSNP rs1222795311, ClinGen allele CA590751940.

ClinVar aggregate classification (germline): Pathogenic/Likely pathogenic. Review status: criteria provided, multiple submitters, no conflicts (2 of 4 stars). 2 submissions from 2 submitters: Pathogenic (1); Likely pathogenic (1). Last evaluated 2024-03-24.

Conditions:
Walker-Warburg congenital muscular dystrophy. Also called: Muscular dystrophy-dystroglycanopathy, type A; Walker-Warburg syndrome. Identifiers: Orphanet 899, MedGen C0265221, MONDO:0000171.
Autosomal recessive limb-girdle muscular dystrophy type 2K. Also called: MUSCULAR DYSTROPHY, LIMB-GIRDLE, TYPE 2K; MUSCULAR DYSTROPHY-DYSTROGLYCANOPATHY (LIMB-GIRDLE), TYPE C, 1. Identifiers: Orphanet 86812, MedGen C1836373, MONDO:0012248, OMIM 609308.
Muscular dystrophy-dystroglycanopathy (congenital with impaired intellectual development), type B, 1. Also called: MUSCULAR DYSTROPHY, CONGENITAL, POMT1-RELATED; Muscular dystrophy-dystroglycanopathy (congenital with intellectual disability), type B1. Identifiers: MedGen C5436962, MONDO:0013159, OMIM 613155.
Muscular dystrophy-dystroglycanopathy (congenital with brain and eye anomalies), type A1 (MDDGA1). Also called: WALKER-WARBURG SYNDROME OR MUSCLE-EYE-BRAIN DISEASE, POMT1-RELATED; Hydrocephalus, agyria and retinal dysplasia; Hard +/- E syndrome; Warburg syndrome; Chemke syndrome; Pagon syndrome. Identifiers: Orphanet 588, Orphanet 899, MedGen C4284790, MONDO:0009364, OMIM 236670.

Submissions (2):

Labcorp Genetics (formerly Invitae), Labcorp
Classification: Pathogenic for Muscular dystrophy-dystroglycanopathy (congenital with impaired intellectual development), type B, 1; Walker-Warburg congenital muscular dystrophy; Autosomal recessive limb-girdle muscular dystrophy type 2K. Last evaluated: 2024-03-24. Review status: criteria provided, single submitter. Criteria: Invitae Variant Classification Sherloc (09022015). Collection method: clinical testing. Allele origin: germline.
Comment: This sequence change creates a premature translational stop signal (p.Gly92Glnfs*2) in the POMT1 gene. It is expected to result in an absent or disrupted protein product. Loss-of-function variants in POMT1 are known to be pathogenic (PMID: 12369018, 15637732, 16575835). This variant is present in population databases (no rsID available, gnomAD 0.0009%). This variant has not been reported in the literature in individuals affected with POMT1-related conditions. ClinVar contains an entry for this variant (Variation ID: 1360015). For these reasons, this variant has been classified as Pathogenic.

Baylor Genetics
Classification: Likely pathogenic for Muscular dystrophy-dystroglycanopathy (congenital with brain and eye anomalies), type A1. Last evaluated: 2024-02-25. Review status: criteria provided, single submitter. Criteria: ACMG Guidelines, 2015. Collection method: clinical testing. Allele origin: unknown.

Literature cited by the submitters: PubMed 12369018 (cited by Labcorp Genetics (formerly Invitae), Labcorp); PubMed 15637732 (cited by Labcorp Genetics (formerly Invitae), Labcorp); PubMed 16575835 (cited by Labcorp Genetics (formerly Invitae), Labcorp).